The following is an entry in ClinVar:

NM_001303256.3(MORC2):c.494T>A (p.Phe165Tyr)

Gene: MORC2 (MORC family CW-type zinc finger 2; minus strand). Cytogenetic location: 22q12.2.
Variant type: single nucleotide variant.
Coding change: c.494T>A on transcript NM_001303256.3 (MANE Select); coding-DNA position 494, T replaced by A.
Protein change: p.Phe165Tyr; replaces phenylalanine 165 with tyrosine.
Molecular consequence: missense variant.
Genome position (GRCh38, 1-based): chr22:30,942,204, A>T on the plus strand (T>A on the coding strand, the complement: MORC2 is on the minus strand). VCF-style: chr22-30942204-A-T. GRCh37 (hg19) VCF-style: chr22-31338191-A-T.
Other names: c.494T>A, p.Phe165Tyr (NM_001303257.2); c.308T>A, p.Phe103Tyr (NM_014941.3); short protein forms F103Y, F165Y.
Identifiers: ClinVar variation 4803195 (VCV004803195.1).

ClinVar aggregate classification (germline): Uncertain significance (1 of 4 stars; one submission).

Conditions:
Charcot-Marie-Tooth disease axonal type 2Z. Also called: CHARCOT-MARIE-TOOTH DISEASE, AXONAL, AUTOSOMAL DOMINANT, TYPE 2Z; CHARCOT-MARIE-TOOTH NEUROPATHY, TYPE 2Z. Identifiers: Orphanet 466768, MedGen C5569025, MONDO:0014736, OMIM 616688.

gnomAD v4.1: 1 of 1,614,116 alleles (0.000062%); highest among the groups gnomAD compares: Admixed American, 0.0017%; no homozygotes.

Submission:

Labcorp Genetics (formerly Invitae), Labcorp
Classification: Uncertain significance for Charcot-Marie-Tooth disease axonal type 2Z. Last evaluated: 2025-08-17. Review status: criteria provided, single submitter. Criteria: Invitae Variant Classification Sherloc (09022015). Collection method: clinical testing. Allele origin: germline.
Comment: This sequence change replaces phenylalanine, which is neutral and non-polar, with tyrosine, which is neutral and polar, at codon 165 of the MORC2 protein (p.Phe165Tyr). This variant is present in population databases (no rsID available, gnomAD 0.003%). This variant has not been reported in the literature in individuals affected with MORC2-related conditions. Invitae Evidence Modeling of protein sequence and biophysical properties (such as structural, functional, and spatial information, amino acid conservation, physicochemical variation, residue mobility, and thermodynamic stability) indicates that this missense variant is not expected to disrupt MORC2 protein function with a negative predictive value of 80%. In summary, the available evidence is currently insufficient to determine the role of this variant in disease. Therefore, it has been classified as a Variant of Uncertain Significance.